The following is an entry in ClinVar:

NM_015978.3(TNNI3K):c.311C>G (p.Ala104Gly)

Genes: FPGT-TNNI3K (FPGT-TNNI3K readthrough; plus strand), TNNI3K (TNNI3 interacting kinase; plus strand). Cytogenetic location: 1p31.1.
Variant type: single nucleotide variant.
Coding change: c.311C>G on transcript NM_015978.3 (MANE Select); coding-DNA position 311, C replaced by G.
Protein change: p.Ala104Gly; replaces alanine 104 with glycine.
Molecular consequence: missense variant.
Genome position (GRCh38, 1-based): chr1:74,250,747, C>G. VCF-style: chr1-74250747-C-G. GRCh37 (hg19) VCF-style: chr1-74716431-C-G.
Other names: c.614C>G, p.Ala205Gly (NM_001112808.3, NM_001199327.2); short protein forms A104G, A205G.
Identifiers: ClinVar variation 2421315 (VCV002421315.5), dbSNP rs1570370552, ClinGen allele CA340788219.

ClinVar aggregate classification (germline): Uncertain significance (1 of 4 stars; one submission).

Allele frequency attached by ClinVar (database versions not stated): gnomAD exomes 0.00001.
gnomAD v4.1: 5 of 1,612,682 alleles (0.00031%); highest among the groups gnomAD compares: East Asian, 0.011%; no homozygotes.

Submission:

Labcorp Genetics (formerly Invitae), Labcorp
Classification: Uncertain significance. Last evaluated: 2025-11-08. Review status: criteria provided, single submitter. Criteria: Invitae Variant Classification Sherloc (09022015). Collection method: clinical testing. Allele origin: germline.
Comment: This sequence change replaces alanine, which is neutral and non-polar, with glycine, which is neutral and non-polar, at codon 104 of the TNNI3K protein (p.Ala104Gly). This variant is not present in population databases (gnomAD no frequency). This variant has not been reported in the literature in individuals affected with TNNI3K-related conditions. ClinVar contains an entry for this variant (Variation ID: 2421315). Invitae Evidence Modeling of protein sequence and biophysical properties (such as structural, functional, and spatial information, amino acid conservation, physicochemical variation, residue mobility, and thermodynamic stability) indicates that this missense variant is not expected to disrupt TNNI3K protein function with a negative predictive value of 80%. In summary, the available evidence is currently insufficient to determine the role of this variant in disease. Therefore, it has been classified as a Variant of Uncertain Significance.